The following is an entry in ClinVar:

ClinVar aggregate classification (germline): Uncertain significance. Review status: criteria provided, multiple submitters, no conflicts (2 of 4 stars). 3 submissions from 3 submitters: Uncertain significance (3). Last evaluated 2024-01-25.

Conditions:
Hereditary nonpolyposis colorectal neoplasms. Identifiers: MedGen C0009405, MeSH D003123.
Hereditary cancer-predisposing syndrome. Also called: Hereditary neoplastic syndrome; Neoplastic Syndromes, Hereditary; Tumor predisposition; Hereditary Cancer Syndrome. Identifiers: Orphanet 140162, MedGen C0027672, MeSH D009386, MONDO:0015356.

gnomAD v4.1: 1 of 1,571,470 alleles (0.000064%); highest among the groups gnomAD compares: African/African-American, 0.0014%; no homozygotes.

Submissions (3):

Labcorp Genetics (formerly Invitae), Labcorp
Classification: Uncertain significance for Hereditary nonpolyposis colorectal neoplasms. Last evaluated: 2024-01-25. Review status: criteria provided, single submitter. Criteria: Invitae Variant Classification Sherloc (09022015). Collection method: clinical testing. Allele origin: germline.
Comment: This sequence change replaces asparagine, which is neutral and polar, with tyrosine, which is neutral and polar, at codon 989 of the MSH6 protein (p.Asn989Tyr). This variant is not present in population databases (gnomAD no frequency). This variant has not been reported in the literature in individuals affected with MSH6-related conditions. ClinVar contains an entry for this variant (Variation ID: 1319049). Advanced modeling of protein sequence and biophysical properties (such as structural, functional, and spatial information, amino acid conservation, physicochemical variation, residue mobility, and thermodynamic stability) performed at Invitae indicates that this missense variant is not expected to disrupt MSH6 protein function with a negative predictive value of 95%. In summary, the available evidence is currently insufficient to determine the role of this variant in disease. Therefore, it has been classified as a Variant of Uncertain Significance.

Ambry Genetics
Classification: Uncertain significance for Hereditary cancer-predisposing syndrome. Last evaluated: 2021-03-05. Review status: criteria provided, single submitter. Criteria: Ambry Variant Classification Scheme 2023. Collection method: clinical testing. Allele origin: germline.
Comment: The p.N989Y variant (also known as c.2965A>T), located in coding exon 4 of the MSH6 gene, results from an A to T substitution at nucleotide position 2965. The asparagine at codon 989 is replaced by tyrosine, an amino acid with dissimilar properties. This amino acid position is not well conserved in available vertebrate species. In addition, the in silico prediction for this alteration is inconclusive. Since supporting evidence is limited at this time, the clinical significance of this alteration remains unclear.

GeneDx
Classification: Uncertain significance. Last evaluated: 2019-05-24. Review status: criteria provided, single submitter. Criteria: GeneDx Variant Classification Process June 2021. Collection method: clinical testing. Allele origin: germline. Affected: yes.
Comment: Not observed in large population cohorts (Lek et al., 2016); In silico analysis, which includes protein predictors and evolutionary conservation, supports that this variant does not alter protein structure/function; Has not been previously published as pathogenic or benign to our knowledge

NM_000179.3(MSH6):c.2965A>T (p.Asn989Tyr)

Gene: MSH6 (mutS homolog 6; plus strand). Cytogenetic location: 2p16.3.
Variant type: single nucleotide variant.
Coding change: c.2965A>T on transcript NM_000179.3 (MANE Select); coding-DNA position 2965, A replaced by T.
Protein change: p.Asn989Tyr; replaces asparagine 989 with tyrosine.
Molecular consequence: missense variant.
Genome position (GRCh38, 1-based): chr2:47,800,948, A>T. VCF-style: chr2-47800948-A-T. GRCh37 (hg19) VCF-style: chr2-48028087-A-T.
Other names: c.2575A>T, p.Asn859Tyr (NM_001281492.2); c.2059A>T, p.Asn687Tyr (NM_001281493.2, NM_001281494.2); short protein forms N687Y, N859Y, N989Y.
Identifiers: ClinVar variation 1319049 (VCV001319049.7), dbSNP rs1669533426, ClinGen allele CA346756298.